The following is an entry in ClinVar:

NM_004618.5(TOP3A):c.2946G>A (p.Arg982=)

Gene: TOP3A (DNA topoisomerase III alpha; minus strand). Cytogenetic location: 17p11.2.
Variant type: single nucleotide variant.
Coding change: c.2946G>A on transcript NM_004618.5 (MANE Select); coding-DNA position 2946, G replaced by A.
Protein change: p.Arg982=; no amino-acid change (arginine 982 retained).
Molecular consequence: synonymous variant.
Genome position (GRCh38, 1-based): chr17:18,274,862, C>T on the plus strand (G>A on the coding strand, the complement: TOP3A is on the minus strand). VCF-style: chr17-18274862-C-T. GRCh37 (hg19) VCF-style: chr17-18178176-C-T.
Other names: c.2661G>A, p.Arg887= (NM_001320759.2).
Identifiers: ClinVar variation 1694833 (VCV001694833.36), dbSNP rs1449392328, ClinGen allele CA498233295.

ClinVar aggregate classification (germline): Likely benign. Review status: criteria provided, multiple submitters, no conflicts (2 of 4 stars). 2 submissions from 2 submitters: Likely benign (2). Last evaluated 2025-06-07.

Allele frequency attached by ClinVar (database versions not stated): gnomAD 0.00001; TOPMed 0.00001.
gnomAD v4.1: 4 of 1,614,060 alleles (0.00025%); highest among the groups gnomAD compares: Non-Finnish European, 0.00034%; no homozygotes.

Submissions (2):

Labcorp Genetics (formerly Invitae), Labcorp
Classification: Likely benign. Last evaluated: 2025-06-07. Review status: criteria provided, single submitter. Criteria: Invitae Variant Classification Sherloc (09022015). Collection method: clinical testing. Allele origin: germline.

CeGaT Center for Human Genetics Tuebingen
Classification: Likely benign. Last evaluated: 2022-05-01. Review status: criteria provided, single submitter. Criteria: CeGaT Center For Human Genetics Tuebingen Variant Classification Criteria Version 2. Collection method: clinical testing. Allele origin: germline. Affected: yes. Observed: 1 variant allele.
Comment: TOP3A: BP4, BP7